The following is an entry in ClinVar:

NM_016604.4(KDM3B):c.3082C>T (p.Arg1028Trp)

Gene: KDM3B (lysine demethylase 3B; plus strand). Cytogenetic location: 5q31.2.
Variant type: single nucleotide variant.
Coding change: c.3082C>T on transcript NM_016604.4 (MANE Select); coding-DNA position 3082, C replaced by T.
Protein change: p.Arg1028Trp; replaces arginine 1028 with tryptophan.
Molecular consequence: missense variant.
Genome position (GRCh38, 1-based): chr5:138,399,895, C>T. VCF-style: chr5-138399895-C-T. GRCh37 (hg19) VCF-style: chr5-137735584-C-T.
Other names: short protein forms R1028W.
Identifiers: ClinVar variation 1334599 (VCV001334599.4), dbSNP rs2126962006, ClinGen allele CA361080949.

ClinVar aggregate classification (germline): Likely pathogenic (1 of 4 stars; one submission).

Conditions:
Diets-Jongmans syndrome. Also called: INTELLECTUAL DEVELOPMENTAL DISORDER WITH DISTINCTIVE FACIAL DYSMORPHISM. Identifiers: MedGen C5394263, MONDO:0030012, OMIM 618846.

Submission:

Greenwood Genetic Center Diagnostic Laboratories, Greenwood Genetic Center
Classification: Likely pathogenic for Diets-Jongmans syndrome. Last evaluated: 2021-11-05. Review status: criteria provided, single submitter. Criteria: ACMG Guidelines, 2015. Collection method: clinical testing. Allele origin: germline. Affected: yes.
Comment: PS2, PP2, PP3, PP5, PM2